The following is an entry in ClinVar:

ClinVar aggregate classification (germline): Pathogenic (1 of 4 stars; one submission).

Submission:

Labcorp Genetics (formerly Invitae), Labcorp
Classification: Pathogenic. Last evaluated: 2019-08-10. Review status: criteria provided, single submitter. Criteria: Invitae Variant Classification Sherloc (09022015). Collection method: clinical testing. Allele origin: germline.
Comment: This variant is an out-of-frame deletion of the genomic region encompassing exon 14 of the EYS gene. This is expected to create a premature translational stop signal and result in an absent or disrupted protein product. This variant has been observed to be homozygous in an individual affected with retinitis pigmentosa (PMID: 25097241). Loss-of-function variants in EYS are known to be pathogenic (PMID: 18836446, 20333770). For these reasons, this variant has been classified as Pathogenic.

Literature cited by the submitters: PubMed 25097241.

NC_000006.12:g.(?_64997582)_(64997703_?)del

Gene: EYS (eyes shut homolog; minus strand). Cytogenetic location: 6q12.
Variant type: Deletion.
Identifiers: ClinVar variation 831786 (VCV000831786.1).